The following is an entry in ClinVar:

ClinVar aggregate classification (germline): Uncertain significance. Review status: criteria provided, multiple submitters, no conflicts (2 of 4 stars). 3 submissions from 3 submitters: Uncertain significance (3). Last evaluated 2022-10-17.

Conditions:
Fanconi anemia complementation group E (FANCE). Also called: FANCE-Related Fanconi Anemia. Identifiers: Orphanet 84, MedGen C3160739, MONDO:0010953, OMIM 600901.

Allele frequency attached by ClinVar (database versions not stated): TOPMed below 0.00001; gnomAD 0.00001.

Submissions (3):

Labcorp Genetics (formerly Invitae), Labcorp
Classification: Uncertain significance for Fanconi anemia complementation group E. Last evaluated: 2022-10-17. Review status: criteria provided, single submitter. Criteria: Invitae Variant Classification Sherloc (09022015). Collection method: clinical testing. Allele origin: germline.
Comment: This sequence change replaces proline, which is neutral and non-polar, with serine, which is neutral and polar, at codon 72 of the FANCE protein (p.Pro72Ser). This variant is not present in population databases (gnomAD no frequency). This variant has not been reported in the literature in individuals affected with FANCE-related conditions. ClinVar contains an entry for this variant (Variation ID: 408157). Advanced modeling of protein sequence and biophysical properties (such as structural, functional, and spatial information, amino acid conservation, physicochemical variation, residue mobility, and thermodynamic stability) performed at Invitae indicates that this missense variant is expected to disrupt FANCE protein function. In summary, the available evidence is currently insufficient to determine the role of this variant in disease. Therefore, it has been classified as a Variant of Uncertain Significance.

Blueprint Genetics
Classification: Uncertain significance. Last evaluated: 2022-07-04. Review status: criteria provided, single submitter. Criteria: ACMG Guidelines, 2015. Collection method: clinical testing. Allele origin: germline.

Fulgent Genetics
Classification: Uncertain significance for Fanconi anemia complementation group E. Last evaluated: 2021-12-14. Review status: criteria provided, single submitter. Criteria: ACMG Guidelines, 2015. Collection method: clinical testing. Allele origin: unknown.

NM_021922.3(FANCE):c.214C>T (p.Pro72Ser)

Genes: FANCE (FA complementation group E; plus strand), LOC129996245 (ATAC-STARR-seq lymphoblastoid silent region 17092; plus strand). Cytogenetic location: 6p21.31.
Variant type: single nucleotide variant.
Coding change: c.214C>T on transcript NM_021922.3 (MANE Select); coding-DNA position 214, C replaced by T.
Protein change: p.Pro72Ser; replaces proline 72 with serine.
Molecular consequence: missense variant.
Genome position (GRCh38, 1-based): chr6:35,452,759, C>T. VCF-style: chr6-35452759-C-T. GRCh37 (hg19) VCF-style: chr6-35420536-C-T.
Other names: short protein forms P72S.
Identifiers: ClinVar variation 408157 (VCV000408157.10), dbSNP rs890865684, ClinGen allele CA16611908.
Genomic context (GRCh38, chr6:35,452,759, plus strand): 5'-AGCCGCGGCTGGGAGCCCTTCGACTGGGGTCGCTTGCTCGAGGCCCTGTGCCGGGAGGAG[C>T]CGGTCGTGCAGGGGCCTGACGGCCGTCTGGAGCTGTAAGTCCTCGCCCGCGGCCCCTTAG-3'
Protein context (NP_068741.1, residues 62-82): RLLEALCREE[Pro72Ser]VVQGPDGRLE